The following is an entry in ClinVar:

NM_005993.5(TBCD):c.2260+5G>A

Gene: TBCD (tubulin folding cofactor D). Cytogenetic location: 17q25.3.
Variant type: single nucleotide variant.
Coding change: c.2260+5G>A on transcript NM_005993.5 (MANE Select); 5 bases into the intron after coding-DNA position 2260, G replaced by A.
Molecular consequence: intron variant.
Genome position (GRCh38, 1-based): chr17:82,923,738, G>A. VCF-style: chr17-82923738-G-A. GRCh37 (hg19) VCF-style: chr17-80881614-G-A.
Identifiers: ClinVar variation 392124 (VCV000392124.3), dbSNP rs1057524365, ClinGen allele CA16607546.

ClinVar aggregate classification (germline): Uncertain significance (1 of 4 stars; one submission).

Submission:

GeneDx
Classification: Uncertain significance. Last evaluated: 2024-08-20. Review status: criteria provided, single submitter. Criteria: GeneDx Variant Classification Process June 2021. Collection method: clinical testing. Allele origin: germline. Affected: yes.
Comment: Not observed at significant frequency in large population cohorts (gnomAD); In silico analysis supports a deleterious effect on splicing; Has not been previously published as pathogenic or benign to our knowledge